The following is an entry in ClinVar:

ClinVar aggregate classification (germline): Uncertain significance (1 of 4 stars; one submission).

Conditions:
Hereditary cancer-predisposing syndrome. Also called: Hereditary neoplastic syndrome; Neoplastic Syndromes, Hereditary; Tumor predisposition; Hereditary Cancer Syndrome. Identifiers: Orphanet 140162, MedGen C0027672, MeSH D009386, MONDO:0015356.

Submission:

Ambry Genetics
Classification: Uncertain significance for Hereditary cancer-predisposing syndrome. Last evaluated: 2025-07-14. Review status: criteria provided, single submitter. Criteria: Ambry Variant Classification Scheme 2023. Collection method: clinical testing. Allele origin: germline.
Comment: The c.605delC variant, located in coding exon 3 of the PDGFRA gene, results from a deletion of one nucleotide at nucleotide position 605, causing a translational frameshift with a predicted alternate stop codon (p.P202Hfs*7). This alteration is expected to result in loss of function by premature protein truncation or nonsense-mediated mRNA decay. However, loss of function of PDGFRA has not been established as a mechanism of disease. Based on the available evidence, the clinical significance of this alteration remains unclear.

NM_006206.6(PDGFRA):c.605del (p.Pro202fs)

Gene: PDGFRA (platelet derived growth factor receptor alpha; plus strand). Cytogenetic location: 4q12.
Variant type: Deletion.
Coding change: c.605del on transcript NM_006206.6 (MANE Select); coding-DNA position 605, one base deleted (C; older notation c.605delC).
Protein change: p.Pro202fs; shifts the reading frame from proline 202.
Molecular consequence: frameshift variant.
Genome position (GRCh38, 1-based): chr4:54,263,904, C deleted; the last of 3 consecutive C bases (chr4:54,263,902-54,263,904); deleting any one gives the same sequence. VCF-style (leftmost placement, unchanged base first): chr4-54263901-TC-T. GRCh37 (hg19) VCF-style: chr4-55130068-TC-T.
Other names: c.605del, p.Pro202fs (NM_001347827.2, NM_001347829.2); c.680del, p.Pro227fs (NM_001347828.2); c.644del, p.Pro215fs (NM_001347830.2); short protein forms P202fs, P215fs, P227fs.
Identifiers: ClinVar variation 4133984 (VCV004133984.1).
Genomic context (GRCh38, chr4:54,263,901, plus strand): 5'-CCTTCACTGTAGGGCCCTATATCTGTGAGGCCACCGTCAAAGGAAAGAAGTTCCAGACCA[TC>T]CCATTTAATGTTTATGCTTTAAAAGGTACTTGTATCATCTCCTTCCTTCTTTAAATAAGA-3'